The following is an entry in ClinVar:

NM_005585.5(SMAD6):c.1282C>T (p.Arg428Cys)

Gene: SMAD6 (SMAD family member 6; plus strand). Cytogenetic location: 15q22.31.
Variant type: single nucleotide variant.
Coding change: c.1282C>T on transcript NM_005585.5 (MANE Select); coding-DNA position 1282, C replaced by T.
Protein change: p.Arg428Cys; replaces arginine 428 with cysteine.
Molecular consequence: missense variant. On other transcripts: non-coding transcript variant (1).
Genome position (GRCh38, 1-based): chr15:66,781,326, C>T. VCF-style: chr15-66781326-C-T. GRCh37 (hg19) VCF-style: chr15-67073664-C-T.
Other names: c.1282C>T (NM_005585.4); short protein forms R428C.
Identifiers: ClinVar variation 3709211 (VCV003709211.3).
Genomic context (GRCh38, chr15:66,781,326, plus strand): 5'-CACCCCATCTTCGTCAACTCCCCGACGCTGGACGCGCCCGGCGGCCGCGCCCTGGTCGTG[C>T]GCAAGGTGCCCCCCGGCTACTCCATCAAGGTGTTCGACTTCGAGCGCTCGGGCCTGCAGC-3'
Protein context (NP_005576.3, residues 418-438): DAPGGRALVV[Arg428Cys]KVPPGYSIKV

ClinVar aggregate classification (germline): Uncertain significance. Review status: criteria provided, multiple submitters, no conflicts (2 of 4 stars). 2 submissions from 2 submitters: Uncertain significance (2). Last evaluated 2025-08-30.

Conditions:
Aortic valve disease 2 (AOVD2). Identifiers: MedGen C3542024, MONDO:0013902, OMIM 614823.
Inborn genetic diseases. Identifiers: MedGen C0950123, MeSH D030342.

gnomAD v4.1: 13 of 1,598,968 alleles (0.00081%); highest among the groups gnomAD compares: East Asian, 0.0045%; no homozygotes.

Submissions (2):

Ambry Genetics
Classification: Uncertain significance for Inborn genetic diseases. Last evaluated: 2025-08-30. Review status: criteria provided, single submitter. Criteria: Ambry Variant Classification Scheme 2023. Collection method: clinical testing. Allele origin: germline.
Comment: The p.R428C variant (also known as c.1282C>T), located in coding exon 4 of the SMAD6 gene, results from a C to T substitution at nucleotide position 1282. The arginine at codon 428 is replaced by cysteine, an amino acid with highly dissimilar properties. This amino acid position is conserved. In addition, this alteration is predicted to be deleterious by in silico analysis. Based on the available evidence, the clinical significance of this variant remains unclear.

Labcorp Genetics (formerly Invitae), Labcorp
Classification: Uncertain significance for Aortic valve disease 2. Last evaluated: 2024-04-09. Review status: criteria provided, single submitter. Criteria: Invitae Variant Classification Sherloc (09022015). Collection method: clinical testing. Allele origin: germline.
Comment: This sequence change replaces arginine, which is basic and polar, with cysteine, which is neutral and slightly polar, at codon 428 of the SMAD6 protein (p.Arg428Cys). This variant is present in population databases (rs757045246, gnomAD 0.01%). This variant has not been reported in the literature in individuals affected with SMAD6-related conditions. Advanced modeling of protein sequence and biophysical properties (such as structural, functional, and spatial information, amino acid conservation, physicochemical variation, residue mobility, and thermodynamic stability) performed at Invitae indicates that this missense variant is not expected to disrupt SMAD6 protein function with a negative predictive value of 80%. In summary, the available evidence is currently insufficient to determine the role of this variant in disease. Therefore, it has been classified as a Variant of Uncertain Significance.